The following is an entry in ClinVar:

ClinVar aggregate classification (germline): Pathogenic/Likely pathogenic. Review status: criteria provided, multiple submitters, no conflicts (2 of 4 stars). 6 submissions from 6 submitters: Pathogenic (5); Likely pathogenic (1). Last evaluated 2024-09-03.

Conditions:
Lynch syndrome 5 (LYNCH5). Also called: Colorectal cancer, hereditary nonpolyposis, type 5; Hereditary non-polyposis colorectal cancer, type 5. Identifiers: Orphanet 144, MedGen C1833477, MONDO:0013710, OMIM 614350. Disease mechanism: loss of function.
Hereditary cancer-predisposing syndrome. Also called: Neoplastic Syndromes, Hereditary; Tumor predisposition; Hereditary Cancer Syndrome; Hereditary neoplastic syndrome. Identifiers: Orphanet 140162, MedGen C0027672, MeSH D009386, MONDO:0015356.
Hereditary nonpolyposis colorectal neoplasms. Identifiers: MedGen C0009405, MeSH D003123.
Endometrial carcinoma. Also called: Endometrial carcinoma, somatic. Identifiers: MedGen C0476089, MONDO:0002447, OMIM 608089, HP:0012114.

Submissions (6):

Labcorp Genetics (formerly Invitae), Labcorp
Classification: Pathogenic for Hereditary nonpolyposis colorectal neoplasms. Last evaluated: 2024-09-03. Review status: criteria provided, single submitter. Criteria: Invitae Variant Classification Sherloc (09022015). Collection method: clinical testing. Allele origin: germline.
Comment: This sequence change creates a premature translational stop signal (p.Cys765*) in the MSH6 gene. It is expected to result in an absent or disrupted protein product. Loss-of-function variants in MSH6 are known to be pathogenic (PMID: 18269114, 24362816). This variant is not present in population databases (gnomAD no frequency). This variant has not been reported in the literature in individuals affected with MSH6-related conditions. ClinVar contains an entry for this variant (Variation ID: 650829). For these reasons, this variant has been classified as Pathogenic.

Baylor Genetics
Classification: Pathogenic for Endometrial carcinoma. Last evaluated: 2024-03-12. Review status: criteria provided, single submitter. Criteria: ACMG Guidelines, 2015. Collection method: clinical testing. Allele origin: unknown.

Myriad Genetics, Inc.
Classification: Pathogenic for Lynch syndrome 5. Last evaluated: 2023-11-14. Review status: criteria provided, single submitter. Criteria: Myriad Autosomal Dominant, Autosomal Recessive and X-Linked Classification Criteria (2023). Collection method: clinical testing. Allele origin: unknown.
Comment: This variant is considered pathogenic. This variant creates a termination codon and is predicted to result in premature protein truncation.

Revvity Omics, Revvity
Classification: Likely pathogenic. Last evaluated: 2023-02-03. Review status: criteria provided, single submitter. Criteria: ACMG Guidelines, 2015. Collection method: clinical testing. Allele origin: germline.

Ambry Genetics
Classification: Pathogenic for Hereditary cancer-predisposing syndrome. Last evaluated: 2023-01-24. Review status: criteria provided, single submitter. Criteria: Ambry Variant Classification Scheme 2023. Collection method: clinical testing. Allele origin: germline.
Comment: The p.C765* pathogenic mutation (also known as c.2295C>A), located in coding exon 4 of the MSH6 gene, results from a C to A substitution at nucleotide position 2295. This changes the amino acid from a cysteine to a stop codon within coding exon 4. This alteration has been identified in a Thai endometrial cancer cohort (Manchana T et al. Asian Pac J Cancer Prev, 2021 May;22:1477-1483). In addition to the clinical data presented in the literature, this alteration is expected to result in loss of function by premature protein truncation or nonsense-mediated mRNA decay. As such, this alteration is interpreted as a disease-causing mutation.

Color Diagnostics, LLC DBA Color Health
Classification: Pathogenic for Hereditary cancer-predisposing syndrome. Last evaluated: 2019-08-07. Review status: criteria provided, single submitter. Criteria: ACMG Guidelines, 2015. Collection method: clinical testing. Allele origin: germline.
Comment: This variant changes 1 nucleotide in exon 4 of the MSH6 gene, creating a premature translation stop signal. This variant is expected to result in an absent or non-functional protein product. Computational splicing tools suggest that this variant may not impact RNA splicing. To our knowledge, functional assays have not been performed for this variant nor has this variant been reported in individuals affected with hereditary cancer in the literature. This variant has not been identified in the general population by the Genome Aggregation Database (gnomAD). Loss of MSH6 function is a known mechanism of disease. Based on available evidence, this variant is classified as Pathogenic.

Literature cited by the submitters: PubMed 18269114 (cited by Labcorp Genetics (formerly Invitae), Labcorp); PubMed 24362816 (cited by Labcorp Genetics (formerly Invitae), Labcorp); PubMed 34048176 (cited by Ambry Genetics).

NM_000179.3(MSH6):c.2295C>A (p.Cys765Ter)

Gene: MSH6 (mutS homolog 6; plus strand). Cytogenetic location: 2p16.3.
Variant type: single nucleotide variant.
Coding change: c.2295C>A on transcript NM_000179.3 (MANE Select); coding-DNA position 2295, C replaced by A.
Protein change: p.Cys765Ter; replaces cysteine 765 with a stop codon.
Molecular consequence: nonsense.
Genome position (GRCh38, 1-based): chr2:47,800,278, C>A. VCF-style: chr2-47800278-C-A. GRCh37 (hg19) VCF-style: chr2-48027417-C-A.
Other names: c.1905C>A, p.Cys635Ter (NM_001281492.2); c.1389C>A, p.Cys463Ter (NM_001281493.2, NM_001281494.2); short protein forms C463*, C635*, C765*.
Identifiers: ClinVar variation 650829 (VCV000650829.16), dbSNP rs63750985, ClinGen allele CA346752979.